The following is an entry in ClinVar:

ClinVar aggregate classification (germline): Benign/Likely benign. Review status: criteria provided, multiple submitters, no conflicts (2 of 4 stars). 4 submissions from 4 submitters: Benign (2); Likely benign (1). 1 of the submissions does not count toward it. Last evaluated 2026-01-26.

Conditions:
ADCY10-related disorder. Also called: ADCY10-related condition.

Allele frequency attached by ClinVar (database versions not stated): 1000 Genomes Project 0.00160; 1000 Genomes Project 30x 0.00172; TOPMed 0.00432; ESP Exome Variant Server 0.00561; gnomAD 0.00656.

Submissions (8):

Labcorp Genetics (formerly Invitae), Labcorp
Classification: Benign. Last evaluated: 2026-01-26. Review status: criteria provided, single submitter. Criteria: Invitae Variant Classification Sherloc (09022015). Collection method: clinical testing. Allele origin: germline.

Mayo Clinic Laboratories, Mayo Clinic
Classification: Benign. Last evaluated: 2023-07-03. Review status: criteria provided, single submitter. Criteria: ACMG Guidelines, 2015. Collection method: clinical testing. Allele origin: germline. Observed: 4 variant alleles.
Comment: BS1, BS2, BP4, BP7

CeGaT Center for Human Genetics Tuebingen
Classification: Likely benign. Last evaluated: 2022-09-01. Review status: criteria provided, single submitter. Criteria: CeGaT Center For Human Genetics Tuebingen Variant Classification Criteria Version 2. Collection method: clinical testing. Allele origin: germline. Affected: yes. Observed: 1 variant allele.
Comment: ADCY10: BP4, BP7

PreventionGenetics, part of Exact Sciences
Classification: Benign for ADCY10-related condition. Last evaluated: 2024-04-11. Review status: no assertion criteria provided. Collection method: clinical testing. Allele origin: germline. Not counted in ClinVar's aggregate classification.
Comment: This variant is classified as benign based on ACMG/AMP sequence variant interpretation guidelines (Richards et al. 2015 PMID: 25741868, with internal and published modifications).

Dr. Peter K. Rogan Lab, Western University
No classification provided (evidence only). Condition: Gastric cancer. Review status: no classification provided. Collection method: in vitro. Allele origin: not applicable. Functional consequence: retained intron. Not counted in ClinVar's aggregate classification.

Dr. Peter K. Rogan Lab, Western University
No classification provided (evidence only). Condition: Clear cell carcinoma of kidney. Review status: no classification provided. Collection method: in vitro. Allele origin: not applicable. Functional consequence: retained intron. Not counted in ClinVar's aggregate classification.

Dr. Peter K. Rogan Lab, Western University
No classification provided (evidence only). Condition: Melanoma. Review status: no classification provided. Collection method: in vitro. Allele origin: not applicable. Functional consequence: retained intron. Not counted in ClinVar's aggregate classification.

Dr. Peter K. Rogan Lab, Western University
No classification provided (evidence only). Condition: Sarcoma. Review status: no classification provided. Collection method: in vitro. Allele origin: not applicable. Functional consequence: retained intron. Not counted in ClinVar's aggregate classification.

NM_018417.6(ADCY10):c.2097A>G (p.Ala699=)

Gene: ADCY10 (adenylate cyclase 10; minus strand). Cytogenetic location: 1q24.2.
Variant type: single nucleotide variant.
Coding change: c.2097A>G on transcript NM_018417.6 (MANE Select); coding-DNA position 2097, A replaced by G.
Protein change: p.Ala699=; no amino-acid change (alanine 699 retained).
Molecular consequence: synonymous variant.
Genome position (GRCh38, 1-based): chr1:167,856,239, T>C on the plus strand (A>G on the coding strand, the complement: ADCY10 is on the minus strand). VCF-style: chr1-167856239-T-C. GRCh37 (hg19) VCF-style: chr1-167825477-T-C.
Other names: p.Ala699=; c.1638A>G, p.Ala546= (NM_001167749.3); c.1821A>G, p.Ala607= (NM_001297772.2).
Identifiers: ClinVar variation 787530 (VCV000787530.35), dbSNP rs141364875, ClinGen allele CA1227739.